The following is an entry in ClinVar:

NM_006231.4(POLE):c.3767G>A (p.Gly1256Glu)

Gene: POLE (DNA polymerase epsilon, catalytic subunit; minus strand). Cytogenetic location: 12q24.33.
Variant type: single nucleotide variant.
Coding change: c.3767G>A on transcript NM_006231.4 (MANE Select); coding-DNA position 3767, G replaced by A.
Protein change: p.Gly1256Glu; replaces glycine 1256 with glutamic acid.
Molecular consequence: missense variant.
Genome position (GRCh38, 1-based): chr12:132,649,705, C>T on the plus strand (G>A on the coding strand, the complement: POLE is on the minus strand). VCF-style: chr12-132649705-C-T. GRCh37 (hg19) VCF-style: chr12-133226291-C-T.
Other names: c.3767G>A (NM_006231.2); short protein forms G1256E.
Identifiers: ClinVar variation 1504592 (VCV001504592.9), dbSNP rs2138612785, ClinGen allele CA387386026.

ClinVar aggregate classification (germline): Uncertain significance. Review status: criteria provided, multiple submitters, no conflicts (2 of 4 stars). 2 submissions from 2 submitters: Uncertain significance (2). Last evaluated 2023-08-30.

Conditions:
Hereditary cancer-predisposing syndrome. Also called: Hereditary neoplastic syndrome; Tumor predisposition; Neoplastic Syndromes, Hereditary; Hereditary Cancer Syndrome. Identifiers: Orphanet 140162, MedGen C0027672, MeSH D009386, MONDO:0015356.

Submissions (2):

Ambry Genetics
Classification: Uncertain significance for Hereditary cancer-predisposing syndrome. Last evaluated: 2023-08-30. Review status: criteria provided, single submitter. Criteria: Ambry Variant Classification Scheme 2023. Collection method: clinical testing. Allele origin: germline.
Comment: The p.G1256E variant (also known as c.3767G>A), located in coding exon 30 of the POLE gene, results from a G to A substitution at nucleotide position 3767. The glycine at codon 1256 is replaced by glutamic acid, an amino acid with similar properties. This amino acid position is conserved. In addition, this alteration is predicted to be tolerated by in silico analysis. Since supporting evidence is limited at this time, the clinical significance of this alteration remains unclear.

Labcorp Genetics (formerly Invitae), Labcorp
Classification: Uncertain significance. Last evaluated: 2023-03-22. Review status: criteria provided, single submitter. Criteria: Invitae Variant Classification Sherloc (09022015). Collection method: clinical testing. Allele origin: germline.
Comment: This variant has not been reported in the literature in individuals affected with POLE-related conditions. This sequence change replaces glycine, which is neutral and non-polar, with glutamic acid, which is acidic and polar, at codon 1256 of the POLE protein (p.Gly1256Glu). This variant is not present in population databases (gnomAD no frequency). ClinVar contains an entry for this variant (Variation ID: 1504592). Advanced modeling of protein sequence and biophysical properties (such as structural, functional, and spatial information, amino acid conservation, physicochemical variation, residue mobility, and thermodynamic stability) performed at Invitae indicates that this missense variant is not expected to disrupt POLE protein function. In summary, the available evidence is currently insufficient to determine the role of this variant in disease. Therefore, it has been classified as a Variant of Uncertain Significance.